The following is an entry in ClinVar:

ClinVar aggregate classification (germline): Likely benign. Review status: criteria provided, multiple submitters, no conflicts (2 of 4 stars). 2 submissions from 2 submitters: Likely benign (2). Last evaluated 2026-04-02.

Conditions:
Ullrich congenital muscular dystrophy 2 (UCMD2). Identifiers: Orphanet 75840, MedGen C4225314, MONDO:0014654, OMIM 616470.
Bethlem myopathy 2 (BTHLM2). Identifiers: Orphanet 536516, Orphanet 610, MedGen C4225313, MONDO:0034022, OMIM 616471.

Allele frequency attached by ClinVar (database versions not stated): TOPMed 0.00002; gnomAD 0.00004; gnomAD exomes 0.00010 and 0.00022; 1000 Genomes Project 0.00020; ExAC 0.00021.
gnomAD v4.1: 159 of 1,609,000 alleles (0.0099%); highest among the groups gnomAD compares: South Asian, 0.17%; 1 homozygote.

Submissions (2):

Women's Health and Genetics/Laboratory Corporation of America, LabCorp
Classification: Likely benign. Last evaluated: 2026-04-02. Review status: criteria provided, single submitter. Criteria: LabCorp Variant Classification Summary - May 2015. Collection method: clinical testing. Allele origin: germline.
Comment: Variant summary: COL12A1 c.823+20T>C alters a non-conserved nucleotide located at a position not widely known to affect splicing. Consensus agreement among computation tools predict no significant impact on normal splicing. However, these predictions have yet to be confirmed by functional studies. The variant allele was found at a frequency of 0.00022 in 245236 control chromosomes. This frequency is not significantly higher than estimated for disease-causing variants in COL12A1, allowing no conclusion about variant significance. To our knowledge, no occurrence of c.823+20T>C in individuals affected with COL12A1-related conditions and no experimental evidence demonstrating its impact on protein function have been reported. ClinVar contains an entry for this variant (Variation ID: 1670550). Based on the evidence outlined above, the variant was classified as likely benign.

Labcorp Genetics (formerly Invitae), Labcorp
Classification: Likely benign for Bethlem myopathy 2; Ullrich congenital muscular dystrophy 2. Last evaluated: 2026-01-09. Review status: criteria provided, single submitter. Criteria: Invitae Variant Classification Sherloc (09022015). Collection method: clinical testing. Allele origin: germline.

NM_004370.6(COL12A1):c.823+20T>C

Gene: COL12A1 (collagen type XII alpha 1 chain; minus strand). Cytogenetic location: 6q13.
Variant type: single nucleotide variant.
Coding change: c.823+20T>C on transcript NM_004370.6 (MANE Select); 20 bases into the intron after coding-DNA position 823, T replaced by C.
Molecular consequence: intron variant.
Genome position (GRCh38, 1-based): chr6:75,189,197, A>G on the plus strand (T>C on the coding strand, the complement: COL12A1 is on the minus strand). VCF-style: chr6-75189197-A-G. GRCh37 (hg19) VCF-style: chr6-75898913-A-G.
Other names: c.73+13523T>C (NM_080645.3).
Identifiers: ClinVar variation 1670550 (VCV001670550.9), dbSNP rs534530101, ClinGen allele CA3894340.